The following is an entry in ClinVar:

ClinVar aggregate classification (germline): Likely benign. Review status: criteria provided, multiple submitters, no conflicts (2 of 4 stars). 6 submissions from 6 submitters: Likely benign (5). 1 of the submissions does not count toward it. Last evaluated 2026-01-13.

Conditions:
TBX1-related disorder. Also called: TBX1-Related Disorders; TBX1-related condition.
DiGeorge syndrome. Also called: Catch22; THIRD AND FOURTH PHARYNGEAL POUCH SYNDROME. Identifiers: Orphanet 567, MedGen C0012236, MONDO:0008564, OMIM 188400.
Cardiovascular phenotype. Identifiers: MedGen CN230736.

Submissions (6):

Labcorp Genetics (formerly Invitae), Labcorp
Classification: Likely benign for DiGeorge syndrome. Last evaluated: 2026-01-13. Review status: criteria provided, single submitter. Criteria: Invitae Variant Classification Sherloc (09022015). Collection method: clinical testing. Allele origin: germline.

Blueprint Genetics
Classification: Likely benign. Last evaluated: 2024-11-28. Review status: criteria provided, single submitter. Criteria: ACMG Guidelines, 2015. Collection method: clinical testing. Allele origin: germline.

Genomic Medicine Center of Excellence, King Faisal Specialist Hospital and Research Centre
Classification: Likely benign for DiGeorge syndrome. Last evaluated: 2024-04-04. Review status: criteria provided, single submitter. Criteria: ACMG Guidelines, 2015. Collection method: clinical testing. Allele origin: germline.

CeGaT Center for Human Genetics Tuebingen
Classification: Likely benign. Last evaluated: 2023-08-01. Review status: criteria provided, single submitter. Criteria: CeGaT Center For Human Genetics Tuebingen Variant Classification Criteria Version 2. Collection method: clinical testing. Allele origin: germline. Affected: yes. Observed: 1 variant allele.
Comment: TBX1: BS1

Ambry Genetics
Classification: Likely benign for Cardiovascular phenotype. Last evaluated: 2018-09-26. Review status: criteria provided, single submitter. Criteria: Ambry Variant Classification Scheme 2023. Collection method: clinical testing. Allele origin: germline.

PreventionGenetics, part of Exact Sciences
Classification: Likely benign for TBX1-related condition. Last evaluated: 2024-01-08. Review status: no assertion criteria provided. Collection method: clinical testing. Allele origin: germline. Not counted in ClinVar's aggregate classification.
Comment: This variant is classified as likely benign based on ACMG/AMP sequence variant interpretation guidelines (Richards et al. 2015 PMID: 25741868, with internal and published modifications).

NM_001379200.1(TBX1):c.1153GCCGGCGGC[3] (p.385AGG[3])

Gene: TBX1 (T-box transcription factor 1; plus strand). Cytogenetic location: 22q11.21.
Variant type: Microsatellite.
Coding change: c.1153GCCGGCGGC[3] on transcript NM_001379200.1 (MANE Select); three copies in a row of the 9-base unit GCCGGCGGC starting at c.1153; the reference has two copies in a row; one copy, 9 bases duplicated.
Protein change: p.385AGG[3].
Molecular consequence: inframe insertion. On other transcripts: intron variant (2).
Genome position (GRCh38, 1-based): chr22:19,766,514-19,766,522, GCCGGCGGC duplicated; duplicating any 9 consecutive bases within chr22:19,766,505-19,766,522 gives the same sequence; the position shown is the placement nearest the transcript's 3' end. VCF-style (leftmost placement, unchanged base first): chr22-19766504-G-GGCCGGCGGC. GRCh37 (hg19) VCF-style: chr22-19754027-G-GGCCGGCGGC.
Other names: c.1135_1143dup (NM_080647.1); c.1135_1143dup9 (NM_080647.1); c.1135_1143dupGCCGGCGGC (NM_080647.1); c.1126GCCGGCGGC[3], p.376AGG[3] (NM_080647.1); c.1009+503GCCGGCGGC[3] (NM_005992.1, NM_080646.2).
Identifiers: ClinVar variation 707795 (VCV000707795.38), dbSNP rs1288296547, ClinGen allele CA638504310.